The following is an entry in ClinVar:

ClinVar aggregate classification (germline): Likely pathogenic (1 of 4 stars; one submission).

Conditions:
Factor VIII deficiency. Identifiers: MedGen C3494187, OMIM 134500.

Submission:

North West Genomic Laboratory Hub, Manchester University NHS Foundation Trust
Classification: Likely pathogenic for Factor VIII deficiency. Last evaluated: 2025-04-02. Review status: criteria provided, single submitter. Criteria: ACGS Best Practice Guidelines for Variant Classification in Rare Disease 2024. Collection method: clinical testing. Allele origin: germline. Affected: yes.
Comment: PS4_Supp PM2_Mod PP4_Mod PP3_Supp

NM_000132.4(F8):c.144-5C>G

Gene: F8 (coagulation factor VIII; minus strand). Cytogenetic location: Xq28.
Variant type: single nucleotide variant.
Coding change: c.144-5C>G on transcript NM_000132.4 (MANE Select); 5 bases into the intron before coding-DNA position 144, C replaced by G.
Molecular consequence: intron variant.
Genome position (GRCh38, 1-based): chrX:154,999,605, G>C on the plus strand (C>G on the coding strand, the complement: F8 is on the minus strand). VCF-style: chrX-154999605-G-C. GRCh37 (hg19) VCF-style: chrX-154227880-G-C.
Identifiers: ClinVar variation 4853809 (VCV004853809.1).